The following is an entry in ClinVar:

ClinVar aggregate classification (germline): Uncertain significance. Review status: criteria provided, multiple submitters, no conflicts (2 of 4 stars). 2 submissions from 2 submitters: Uncertain significance (2). Last evaluated 2025-07-01.

Conditions:
Leukodystrophy, hypomyelinating, 6. Also called: LEUKODYSTROPHY, HYPOMYELINATING, WITH ATROPHY OF THE BASAL GANGLIA AND CEREBELLUM; TUBB4A-Associated Leukodystrophy; Hypomyelination with Atrophy of Basal Ganglia and Cerebellum (H-ABC). Identifiers: Orphanet 139441, MedGen C2676244, MONDO:0012905, OMIM 612438.

Allele frequency attached by ClinVar (database versions not stated): gnomAD exomes below 0.00001; gnomAD 0.00001; TOPMed 0.00001.
gnomAD v4.1: 9 of 1,613,882 alleles (0.00056%); highest among the groups gnomAD compares: Non-Finnish European, 0.00042%; no homozygotes.

Submissions (2):

CeGaT Center for Human Genetics Tuebingen
Classification: Uncertain significance. Last evaluated: 2025-07-01. Review status: criteria provided, single submitter. Criteria: CeGaT Center For Human Genetics Tuebingen Variant Classification Criteria Version 2. Collection method: clinical testing. Allele origin: germline. Affected: yes. Observed: 1 variant allele.
Comment: TUBB4A: PP2, PP3

Diagnostics Services (NGS), CSIR - Centre For Cellular And Molecular Biology
Classification: Uncertain significance for Leukodystrophy, hypomyelinating, 6. Last evaluated: 2024-05-31. Review status: criteria provided, single submitter. Criteria: ACMG Guidelines, 2015. Collection method: clinical testing. Allele origin: unknown. Affected: yes. Observed: 1 variant allele, 1 heterozygote.
Comment: The c.925C>T variants are not present in publicly available population databases like 1000 Genomes, ExAC, EVS, gnomAD, Indian Exome Database or our in-house exome database. This variant has neither been published in literature with TUBB4A-related conditions nor reported to the clinical databases like Human Genome Mutation Database (HGMD), ClinVar or OMIM, in any affected individuals. In-silico pathogenicity prediction programs like SIFT, MutationTaster2, CADD, Varsome, InterVar etc predicted this variant to be likely deleterious however these predictions were not confirmed by published functional studies. This variant is located in a mutational hotspot region of the gene.

NM_006087.4(TUBB4A):c.925C>T (p.Arg309Cys)

Gene: TUBB4A (tubulin beta 4A class IVa; minus strand). Cytogenetic location: 19p13.3.
Variant type: single nucleotide variant.
Coding change: c.925C>T on transcript NM_006087.4 (MANE Select); coding-DNA position 925, C replaced by T.
Protein change: p.Arg309Cys; replaces arginine 309 with cysteine.
Molecular consequence: missense variant.
Genome position (GRCh38, 1-based): chr19:6,495,574, G>A on the plus strand (C>T on the coding strand, the complement: TUBB4A is on the minus strand). VCF-style: chr19-6495574-G-A. GRCh37 (hg19) VCF-style: chr19-6495585-G-A.
Other names: c.1078C>T, p.Arg360Cys (NM_001289123.2); c.1060C>T, p.Arg354Cys (NM_001289127.2); c.925C>T, p.Arg309Cys (NM_001289129.2); c.709C>T, p.Arg237Cys (NM_001289130.2, NM_001289131.2); short protein forms R237C, R309C, R354C, R360C.
Identifiers: ClinVar variation 3251972 (VCV003251972.9), dbSNP rs1386587020.